The following is an entry in ClinVar:

NM_001283009.2(RTEL1):c.2980C>G (p.Leu994Val)

Genes: RTEL1 (regulator of telomere elongation helicase 1; plus strand), RTEL1-TNFRSF6B (RTEL1-TNFRSF6B readthrough (NMD candidate); plus strand). Cytogenetic location: 20q13.33.
Variant type: single nucleotide variant.
Coding change: c.2980C>G on transcript NM_001283009.2 (MANE Select); coding-DNA position 2980, C replaced by G.
Protein change: p.Leu994Val; replaces leucine 994 with valine.
Molecular consequence: missense variant. On other transcripts: non-coding transcript variant (1).
Genome position (GRCh38, 1-based): chr20:63,693,271, C>G. VCF-style: chr20-63693271-C-G. GRCh37 (hg19) VCF-style: chr20-62324624-C-G.
Other names: c.2311C>G, p.Leu771Val (NM_001283010.1); c.2980C>G, p.Leu994Val (NM_016434.4); c.3052C>G, p.Leu1018Val (NM_032957.5); short protein forms L994V, L1018V, L771V.
Identifiers: ClinVar variation 1428471 (VCV001428471.9), dbSNP rs2145449535, ClinGen allele CA409683413.
Genomic context (GRCh38, chr20:63,693,271, plus strand): 5'-CGAGGCTGTGGCTATCGGCCTGAGCACAGCATTCCCCGAAGGCAGCGGGCACAGCCGGTC[C>G]TGGACCCCACTGGTAAATGGGGCCCCAGGTGGGACCCTCAGACTCCTGCGTGGAAGGCAG-3'
Protein context (NP_001269938.1, residues 984-1004): IPRRQRAQPV[Leu994Val]DPTGRTAPDP

ClinVar aggregate classification (germline): Uncertain significance. Review status: criteria provided, multiple submitters, no conflicts (2 of 4 stars). 2 submissions from 2 submitters: Uncertain significance (2). Last evaluated 2023-06-21.

Conditions:
Dyskeratosis congenita, autosomal recessive 5 (DKCB5). Identifiers: MedGen C3554656, MONDO:0014076, OMIM 615190.
Pulmonary fibrosis and/or bone marrow failure, Telomere-related, 3. Also called: PULMONARY FIBROSIS AND/OR BONE MARROW FAILURE SYNDROME, TELOMERE-RELATED, 3. Identifiers: Orphanet 2032, MedGen C4225346, MONDO:0014613, OMIM 616373.

Submissions (2):

Labcorp Genetics (formerly Invitae), Labcorp
Classification: Uncertain significance for Dyskeratosis congenita, autosomal recessive 5; Pulmonary fibrosis and/or bone marrow failure, Telomere-related, 3. Last evaluated: 2023-06-21. Review status: criteria provided, single submitter. Criteria: Invitae Variant Classification Sherloc (09022015). Collection method: clinical testing. Allele origin: germline.
Comment: This sequence change replaces leucine, which is neutral and non-polar, with valine, which is neutral and non-polar, at codon 994 of the RTEL1 protein (p.Leu994Val). In summary, the available evidence is currently insufficient to determine the role of this variant in disease. Therefore, it has been classified as a Variant of Uncertain Significance. An algorithm developed to predict the effect of missense changes on protein structure and function (PolyPhen-2) suggests that this variant is likely to be tolerated. ClinVar contains an entry for this variant (Variation ID: 1428471). This variant has not been reported in the literature in individuals affected with RTEL1-related conditions. This variant is not present in population databases (gnomAD no frequency).

Fulgent Genetics
Classification: Uncertain significance for Dyskeratosis congenita, autosomal recessive 5; Pulmonary fibrosis and/or bone marrow failure, Telomere-related, 3. Last evaluated: 2022-01-10. Review status: criteria provided, single submitter. Criteria: ACMG Guidelines, 2015. Collection method: clinical testing. Allele origin: unknown.